The following is an entry in ClinVar:

ClinVar aggregate classification (germline): Uncertain significance (1 of 4 stars; one submission).

Allele frequency attached by ClinVar (database versions not stated): gnomAD 0.00001; ExAC 0.00002; gnomAD exomes 0.00002; TOPMed 0.00002; 1000 Genomes Project 0.00020; 1000 Genomes Project 30x 0.00031.
gnomAD v4.1: 30 of 1,613,930 alleles (0.0019%); highest among the groups gnomAD compares: Non-Finnish European, 0.0023%; no homozygotes.

Submission:

Labcorp Genetics (formerly Invitae), Labcorp
Classification: Uncertain significance. Last evaluated: 2022-06-13. Review status: criteria provided, single submitter. Criteria: Invitae Variant Classification Sherloc (09022015). Collection method: clinical testing. Allele origin: germline.
Comment: This sequence change replaces glycine, which is neutral and non-polar, with glutamic acid, which is acidic and polar, at codon 154 of the TYR protein (p.Gly154Glu). This variant is present in population databases (rs200471520, gnomAD 0.003%). This variant has not been reported in the literature in individuals affected with TYR-related conditions. Advanced modeling of protein sequence and biophysical properties (such as structural, functional, and spatial information, amino acid conservation, physicochemical variation, residue mobility, and thermodynamic stability) performed at Invitae indicates that this missense variant is expected to disrupt TYR protein function. In summary, the available evidence is currently insufficient to determine the role of this variant in disease. Therefore, it has been classified as a Variant of Uncertain Significance.

NM_000372.5(TYR):c.461G>A (p.Gly154Glu)

Gene: TYR (tyrosinase; plus strand). Cytogenetic location: 11q14.3.
Variant type: single nucleotide variant.
Coding change: c.461G>A on transcript NM_000372.5 (MANE Select); coding-DNA position 461, G replaced by A.
Protein change: p.Gly154Glu; replaces glycine 154 with glutamic acid.
Molecular consequence: missense variant.
Genome position (GRCh38, 1-based): chr11:89,178,414, G>A. VCF-style: chr11-89178414-G-A. GRCh37 (hg19) VCF-style: chr11-88911582-G-A.
Other names: short protein forms G154E.
Identifiers: ClinVar variation 2193278 (VCV002193278.1), dbSNP rs200471520, ClinGen allele CA6221115.
Genomic context (GRCh38, chr11:89,178,414, plus strand): 5'-TTTTTGCCTACCTCACTTTAGCAAAGCATACCATCAGCTCAGACTATGTCATCCCCATAG[G>A]GACCTATGGCCAAATGAAAAATGGATCAACACCCATGTTTAACGACATCAATATTTATGA-3'
Protein context (NP_000363.1, residues 144-164): TISSDYVIPI[Gly154Glu]TYGQMKNGST